The following is an entry in ClinVar:

NM_003803.4(MYOM1):c.4741G>A (p.Val1581Met)

Gene: MYOM1 (myomesin 1; minus strand). Cytogenetic location: 18p11.31.
Variant type: single nucleotide variant.
Coding change: c.4741G>A on transcript NM_003803.4 (MANE Select); coding-DNA position 4741, G replaced by A.
Protein change: p.Val1581Met; replaces valine 1581 with methionine.
Molecular consequence: missense variant.
Genome position (GRCh38, 1-based): chr18:3,071,857, C>T on the plus strand (G>A on the coding strand, the complement: MYOM1 is on the minus strand). VCF-style: chr18-3071857-C-T. GRCh37 (hg19) VCF-style: chr18-3071855-C-T.
Other names: c.4453G>A, p.Val1485Met (NM_019856.2); short protein forms V1485M, V1581M.
Identifiers: ClinVar variation 1427922 (VCV001427922.11), dbSNP rs369605033, ClinGen allele CA8873787.
Genomic context (GRCh38, chr18:3,071,857, plus strand): 5'-TGCAGAAGGAGCAGGCACAGGCAGGCTTCATGCTTACCTTCCCCTCCTGGATGGTGACCA[C>T]GTCTGGGAGACCTCCCAACACCCGGGCACGATCTGCAAGCATAGGCATTTTGGGTTAATC-3'
Protein context (NP_003794.3, residues 1571-1591): RARVLGGLPD[Val1581Met]VTIQEGKALN

ClinVar aggregate classification (germline): Uncertain significance. Review status: criteria provided, multiple submitters, no conflicts (2 of 4 stars). 2 submissions from 2 submitters: Uncertain significance (2). Last evaluated 2025-03-23.

Conditions:
Hypertrophic cardiomyopathy. Also called: HYPERTROPHIC MYOCARDIOPATHY. Identifiers: Orphanet 217569, MedGen C0007194, MeSH D002312, MONDO:0005045, HP:0001639.

Allele frequency attached by ClinVar (database versions not stated): ESP Exome Variant Server 0.00008; gnomAD 0.00001; gnomAD exomes 0.00001 and 0.00003; TOPMed 0.00001; ExAC 0.00005.
gnomAD v4.1: 15 of 1,604,694 alleles (0.00093%); highest among the groups gnomAD compares: East Asian, 0.0022%; no homozygotes.

Submissions (2):

Ambry Genetics
Classification: Uncertain significance. Last evaluated: 2025-03-23. Review status: criteria provided, single submitter. Criteria: Ambry Variant Classification Scheme 2023. Collection method: clinical testing. Allele origin: germline.
Comment: The p.V1581M variant (also known as c.4741G>A), located in coding exon 36 of the MYOM1 gene, results from a G to A substitution at nucleotide position 4741. The valine at codon 1581 is replaced by methionine, an amino acid with highly similar properties. This amino acid position is conserved. In addition, the in silico prediction for this alteration is inconclusive. Since supporting evidence is limited at this time, the clinical significance of this alteration remains unclear.

Labcorp Genetics (formerly Invitae), Labcorp
Classification: Uncertain significance for Hypertrophic cardiomyopathy. Last evaluated: 2024-06-21. Review status: criteria provided, single submitter. Criteria: Invitae Variant Classification Sherloc (09022015). Collection method: clinical testing. Allele origin: germline.
Comment: This sequence change replaces valine, which is neutral and non-polar, with methionine, which is neutral and non-polar, at codon 1581 of the MYOM1 protein (p.Val1581Met). The frequency data for this variant in the population databases is considered unreliable, as metrics indicate poor data quality at this position in the gnomAD database. This variant has not been reported in the literature in individuals affected with MYOM1-related conditions. ClinVar contains an entry for this variant (Variation ID: 1427922). Advanced modeling of protein sequence and biophysical properties (such as structural, functional, and spatial information, amino acid conservation, physicochemical variation, residue mobility, and thermodynamic stability) performed at Invitae indicates that this missense variant is expected to disrupt MYOM1 protein function with a positive predictive value of 80%. In summary, the available evidence is currently insufficient to determine the role of this variant in disease. Therefore, it has been classified as a Variant of Uncertain Significance.